The following is an entry in ClinVar:

ClinVar aggregate classification (germline): Uncertain significance. Review status: criteria provided, multiple submitters, no conflicts (2 of 4 stars). 3 submissions from 3 submitters: Uncertain significance (2). 1 of the submissions does not count toward it. Last evaluated 2025-05-17.

Conditions:
PCCA-related disorder. Also called: PCCA-related condition.
Propionic acidemia (PROP). Also called: GLYCINEMIA, KETOTIC; HYPERGLYCINEMIA WITH KETOACIDOSIS AND LEUKOPENIA; KETOTIC HYPERGLYCINEMIA. Identifiers: Orphanet 35, MedGen C0268579, MONDO:0011628, OMIM 606054, HP:0003571.

Allele frequency attached by ClinVar (database versions not stated): TOPMed 0.00001; ExAC 0.00002.
gnomAD v4.1: 4 of 1,607,932 alleles (0.00025%); highest among the groups gnomAD compares: Admixed American, 0.0067%; no homozygotes.

Submissions (3):

PreventionGenetics, part of Exact Sciences
Classification: Uncertain significance for PCCA-related condition. Last evaluated: 2025-05-17. Review status: criteria provided, single submitter. Criteria: ACMG Guidelines, 2015. Collection method: clinical testing. Allele origin: germline.
Comment: The PCCA c.415G>A variant is predicted to result in the amino acid substitution p.Val139Ile. To our knowledge, this variant has not been reported in the literature. This variant is reported in 0.012% of alleles in individuals of Latino descent in gnomAD. This variant is located at the first base of an exon, raising suspicion for a possible effect on splicing; however, in silico splicing prediction tools do not predict a strong impact (SpliceAI, Jaganathan et al. 2019. PubMed ID: 30661751). At this time, the clinical significance of this variant is uncertain due to the absence of conclusive functional and genetic evidence.

Labcorp Genetics (formerly Invitae), Labcorp
Classification: Uncertain significance for Propionic acidemia. Last evaluated: 2025-03-10. Review status: criteria provided, single submitter. Criteria: Invitae Variant Classification Sherloc (09022015). Collection method: clinical testing. Allele origin: germline.
Comment: This sequence change replaces valine, which is neutral and non-polar, with isoleucine, which is neutral and non-polar, at codon 139 of the PCCA protein (p.Val139Ile). This variant is present in population databases (rs770129876, gnomAD 0.01%). This variant has not been reported in the literature in individuals affected with PCCA-related conditions. ClinVar contains an entry for this variant (Variation ID: 1007299). An algorithm developed to predict the effect of missense changes on protein structure and function (PolyPhen-2) suggests that this variant is likely to be tolerated. In summary, the available evidence is currently insufficient to determine the role of this variant in disease. Therefore, it has been classified as a Variant of Uncertain Significance.

Natera, Inc.
Classification: Uncertain significance for Propionic acidemia. Last evaluated: 2021-06-22. Review status: no assertion criteria provided. Collection method: clinical testing. Allele origin: germline. Not counted in ClinVar's aggregate classification.

NM_000282.4(PCCA):c.415G>A (p.Val139Ile)

Gene: PCCA (propionyl-CoA carboxylase subunit alpha; plus strand). Cytogenetic location: 13q32.3.
Variant type: single nucleotide variant.
Coding change: c.415G>A on transcript NM_000282.4 (MANE Select); coding-DNA position 415, G replaced by A.
Protein change: p.Val139Ile; replaces valine 139 with isoleucine.
Molecular consequence: missense variant. On other transcripts: 5 prime UTR variant (3), non-coding transcript variant (5).
Genome position (GRCh38, 1-based): chr13:100,157,287, G>A. VCF-style: chr13-100157287-G-A. GRCh37 (hg19) VCF-style: chr13-100809541-G-A.
Other names: c.337G>A, p.Val113Ile (NM_001127692.3, NM_001352607.2, NM_001352608.2); c.415G>A, p.Val139Ile (NM_001178004.2, NM_001352605.2, NM_001352606.2 and 1 more transcripts); c.-452G>A (NM_001352610.2, NM_001352611.2, NM_001352612.2); c.415G>A (NM_000282.3); short protein forms V113I, V139I.
Identifiers: ClinVar variation 1007299 (VCV001007299.13), dbSNP rs770129876, ClinGen allele CA7033224.